The following is an entry in ClinVar:

ClinVar aggregate classification (germline): Uncertain significance. Review status: criteria provided, multiple submitters, no conflicts (2 of 4 stars). 2 submissions from 2 submitters: Uncertain significance (2). Last evaluated 2024-03-07.

Conditions:
Cardiomyopathy (CMYO). Also called: Cardiomyopathies. Identifiers: Orphanet 167848, MedGen C0878544, MONDO:0004994, HP:0001638. Inheritance: Various modes of inheritance.
Catecholaminergic polymorphic ventricular tachycardia 1. Also called: RYR2-Related Catecholaminergic Polymorphic Ventricular Tachycardia; VENTRICULAR TACHYCARDIA, STRESS-INDUCED POLYMORPHIC 1; VENTRICULAR TACHYCARDIA, CATECHOLAMINERGIC POLYMORPHIC, 1, WITH OR WITHOUT ATRIAL DYSFUNCTION AND/OR DILATED CARDIOMYOPATHY. Identifiers: Orphanet 3286, MedGen C1631597, MONDO:0011484, OMIM 604772.

Submissions (2):

Color Diagnostics, LLC DBA Color Health
Classification: Uncertain significance for Cardiomyopathy. Last evaluated: 2024-03-07. Review status: criteria provided, single submitter. Criteria: ACMG Guidelines, 2015. Collection method: clinical testing. Allele origin: germline.
Comment: This missense variant replaces phenylalanine with serine at codon 1370 of the RYR2 protein. Computational prediction suggests that this variant may not impact protein structure and function (internally defined REVEL score threshold <= 0.5, PMID: 27666373). To our knowledge, functional studies have not been reported for this variant. This variant has not been reported in individuals affected with RYR2-related disorders in the literature. This variant has not been identified in the general population by the Genome Aggregation Database (gnomAD). The available evidence is insufficient to determine the role of this variant in disease conclusively. Therefore, this variant is classified as a Variant of Uncertain Significance.

Labcorp Genetics (formerly Invitae), Labcorp
Classification: Uncertain significance for Catecholaminergic polymorphic ventricular tachycardia 1. Last evaluated: 2020-03-04. Review status: criteria provided, single submitter. Criteria: Invitae Variant Classification Sherloc (09022015). Collection method: clinical testing. Allele origin: germline.
Comment: This variant is not present in population databases (ExAC no frequency). This sequence change replaces phenylalanine with serine at codon 1370 of the RYR2 protein (p.Phe1370Ser). The phenylalanine residue is highly conserved and there is a large physicochemical difference between phenylalanine and serine. This variant has not been reported in the literature in individuals with RYR2-related conditions. In summary, the available evidence is currently insufficient to determine the role of this variant in disease. Therefore, it has been classified as a Variant of Uncertain Significance. Algorithms developed to predict the effect of missense changes on protein structure and function are either unavailable or do not agree on the potential impact of this missense change (SIFT: "Deleterious"; PolyPhen-2: "Benign"; Align-GVGD: "Class C55").

NM_001035.3(RYR2):c.4109T>C (p.Phe1370Ser)

Genes: RYR2 (ryanodine receptor 2; plus strand), LOC126806067 (BRD4-independent group 4 enhancer GRCh37_chr1:237753258-237754457; plus strand). Cytogenetic location: 1q43.
Variant type: single nucleotide variant.
Coding change: c.4109T>C on transcript NM_001035.3 (MANE Select); coding-DNA position 4109, T replaced by C.
Protein change: p.Phe1370Ser; replaces phenylalanine 1370 with serine.
Molecular consequence: missense variant.
Genome position (GRCh38, 1-based): chr1:237,590,941, T>C. VCF-style: chr1-237590941-T-C. GRCh37 (hg19) VCF-style: chr1-237754241-T-C.
Other names: short protein forms F1370S.
Identifiers: ClinVar variation 1037391 (VCV001037391.12), dbSNP rs1675088358, ClinGen allele CA345397762.